The following is an entry in ClinVar:

NM_000329.3(RPE65):c.778_785del (p.Asn260fs)

Gene: RPE65 (retinoid isomerohydrolase RPE65; minus strand). Cytogenetic location: 1p31.3.
Variant type: Deletion.
Coding change: c.778_785del on transcript NM_000329.3 (MANE Select); coding-DNA positions 778 to 785, 8 bases deleted (AACCTGTT; older notation c.778_785delAACCTGTT).
Protein change: p.Asn260fs; shifts the reading frame from asparagine 260.
Molecular consequence: frameshift variant.
Genome position (GRCh38, 1-based): chr1:68,439,264-68,439,271, AACAGGTT deleted on the plus strand (AACCTGTT on the coding strand, the reverse complement: RPE65 is on the minus strand); deleting any 8 consecutive bases within chr1:68,439,264-68,439,273 gives the same sequence; the c. name uses the placement nearest the transcript's 3' end. VCF-style (leftmost placement, unchanged base first): chr1-68439263-GAACAGGTT-G. GRCh37 (hg19) VCF-style: chr1-68904946-GAACAGGTT-G.
Other names: NM_000329.3(RPE65):c.778_785del; p.Asn260fs; short protein forms N260fs.
Identifiers: ClinVar variation 98891 (VCV000098891.3), dbSNP rs63749059, ClinGen allele CA226581.

ClinVar aggregate classification (germline): Pathogenic. Review status: reviewed by expert panel (3 of 4 stars). 3 submissions from 3 submitters: Pathogenic (1). 2 of the submissions do not count toward it. Last evaluated 2024-04-22.

Conditions:
RPE65-related recessive retinopathy. Also called: Recessive RPE65 retinopathy. Identifiers: MedGen CN305526, MONDO:0100368.

Submissions (3):

ClinGen Leber Congenital Amaurosis/early Onset Retinal Dystrophy Variant Curation Expert Panel, ClinGen
Classification: Pathogenic for RPE65-related recessive retinopathy. Last evaluated: 2024-04-22. Review status: reviewed by expert panel. Criteria: ClinGen LCAeoRD ACMG Specifications RPE65 V1.0.0. Collection method: curation. Allele origin: germline. Inheritance: Autosomal recessive inheritance.
Comment: NM_000329.3(RPE65):c.778_785del (p.Asn260GlnfsTer18) is a frameshift variant that introduces a premature stop codon into exon 8 of 14, and is predicted to lead to nonsense-mediated decay in a gene in which loss-of-function is an established mechanism of disease (PVS1). This variant is absent from gnomAD v2.1.1 (PM2_Supporting). This variant has been reported in at least 1 proband with early-onset severe retinal dystrophy who harbored the variant in the compound heterozygous state with the NM_000329.3(RPE65):c.499G>T (p.Asp167Tyr) variant suspected but not confirmed in trans (PMID: 11095629). However, the proband was not counted for PM3 in order to avoid circularity. At least one proband harboring this variant exhibits a phenotype including a diagnosis of retinitis pigmentosa with onset of night blindness (0.5 pts) at birth (1 pt), no light perception (1 pt) as an adult, atrophy of the optic disc and retinal pigment epithelium (0.5 pts, PMID: 15288992), and very low autofluorescence (2 pts), which are specific for RPE65-related recessive retinopathy (5 total pts, PMID: 11095629, PMID: 15288992, PP4). In summary, this variant meets the criteria to be classified as pathogenic for RPE65-related recessive retinopathy based on the ACMG/AMP criteria applied, as specified by the ClinGen LCA / eoRD VCEP: PVS1, PM2_Supporting, PP4. (VCEP specifications version 1.0.0; date of approval 09/21/2023).

Myriad Genetics, Inc.
Classification: Pathogenic for RPE65-related recessive retinopathy. Last evaluated: 2024-05-14. Review status: criteria provided, single submitter. Criteria: Myriad Autosomal Dominant, Autosomal Recessive and X-Linked Classification Criteria (2023). Collection method: clinical testing. Allele origin: unknown. Not counted in ClinVar's aggregate classification.
Comment: NM_000329.2(RPE65):c.778_785del8(N260Qfs*18) is expected to be pathogenic in the context of inherited retinal dystrophy, RPE65-related. This variant is predicted to lead to an abnormal or absent protein product due to the creation of a premature termination codon in RPE65, a gene where loss-of-function variants are known to be pathogenic. Please note: this variant was assessed in the context of healthy population screening.

Retina International
No classification provided. Review status: no classification provided. Collection method: not provided. Allele origin: not provided. Not counted in ClinVar's aggregate classification.